The following is an entry in ClinVar:

ClinVar aggregate classification (germline): Uncertain significance. Review status: criteria provided, multiple submitters, no conflicts (2 of 4 stars). 2 submissions from 2 submitters: Uncertain significance (2). Last evaluated 2024-07-11.

Conditions:
Charcot-Marie-Tooth disease type 2. Also called: Charcot-Marie-Tooth type 2. Identifiers: Orphanet 64746, MedGen C0270914, MONDO:0018993.

Allele frequency attached by ClinVar (database versions not stated): gnomAD exomes below 0.00001 and 0.00001; TOPMed 0.00001; ExAC 0.00001.
gnomAD v4.1: 8 of 1,614,124 alleles (0.0005%); highest among the groups gnomAD compares: South Asian, 0.0011%; no homozygotes.

Submissions (2):

Ambry Genetics
Classification: Uncertain significance. Last evaluated: 2024-07-11. Review status: criteria provided, single submitter. Criteria: Ambry Variant Classification Scheme 2023. Collection method: clinical testing. Allele origin: germline.
Comment: The p.P1667A variant (also known as c.4999C>G), located in coding exon 44 of the KIF1B gene, results from a C to G substitution at nucleotide position 4999. The proline at codon 1667 is replaced by alanine, an amino acid with highly similar properties. This amino acid position is highly conserved in available vertebrate species. In addition, this alteration is predicted to be tolerated by in silico analysis. Since supporting evidence is limited at this time, the clinical significance of this alteration remains unclear.

Labcorp Genetics (formerly Invitae), Labcorp
Classification: Uncertain significance for Charcot-Marie-Tooth disease type 2. Last evaluated: 2022-11-04. Review status: criteria provided, single submitter. Criteria: Invitae Variant Classification Sherloc (09022015). Collection method: clinical testing. Allele origin: germline.
Comment: In summary, the available evidence is currently insufficient to determine the role of this variant in disease. Therefore, it has been classified as a Variant of Uncertain Significance. Algorithms developed to predict the effect of missense changes on protein structure and function are either unavailable or do not agree on the potential impact of this missense change (SIFT: "Tolerated"; PolyPhen-2: "Probably Damaging"; Align-GVGD: "Class C0"). ClinVar contains an entry for this variant (Variation ID: 937369). This variant has not been reported in the literature in individuals affected with KIF1B-related conditions. This variant is present in population databases (rs755893509, gnomAD 0.0009%). This sequence change replaces proline, which is neutral and non-polar, with alanine, which is neutral and non-polar, at codon 1667 of the KIF1B protein (p.Pro1667Ala).

NM_001365951.3(KIF1B):c.5137C>G (p.Pro1713Ala)

Gene: KIF1B (kinesin family member 1B; plus strand). Cytogenetic location: 1p36.22.
Variant type: single nucleotide variant.
Coding change: c.5137C>G on transcript NM_001365951.3 (MANE Select); coding-DNA position 5137, C replaced by G.
Protein change: p.Pro1713Ala; replaces proline 1713 with alanine.
Molecular consequence: missense variant.
Genome position (GRCh38, 1-based): chr1:10,374,894, C>G. VCF-style: chr1-10374894-C-G. GRCh37 (hg19) VCF-style: chr1-10434952-C-G.
Other names: c.5137C>G, p.Pro1713Ala (NM_001365952.1); c.4999C>G, p.Pro1667Ala (NM_015074.3); short protein forms P1713A, P1667A.
Identifiers: ClinVar variation 937369 (VCV000937369.13), dbSNP rs755893509, ClinGen allele CA582277.
Genomic context (GRCh38, chr1:10,374,894, plus strand): 5'-TGTCATATTGTCGTTTTTAGCTCAGTGGTCTCTAAGAAAGGATACCTTCATTTCAAGGAG[C>G]CTCTTTACAGTAACTGGGCTAAACATTTTGTTGTCGTCCGTCGGCCTTATGTCTTCATCT-3'
Protein context (NP_001352880.1, residues 1703-1723): SKKGYLHFKE[Pro1713Ala]LYSNWAKHFV